The following is an entry in ClinVar:

NM_000059.4(BRCA2):c.2909A>G (p.Asp970Gly)

Gene: BRCA2 (BRCA2 DNA repair associated; plus strand). Cytogenetic location: 13q13.1.
Variant type: single nucleotide variant.
Coding change: c.2909A>G on transcript NM_000059.4 (MANE Select); coding-DNA position 2909, A replaced by G.
Protein change: p.Asp970Gly; replaces aspartic acid 970 with glycine.
Molecular consequence: missense variant.
Genome position (GRCh38, 1-based): chr13:32,337,264, A>G. VCF-style: chr13-32337264-A-G. GRCh37 (hg19) VCF-style: chr13-32911401-A-G.
Other names: short protein forms D970G.
Identifiers: ClinVar variation 920651 (VCV000920651.5), dbSNP rs2072467657, ClinGen allele CA387774186.

ClinVar aggregate classification (germline): Conflicting classifications of pathogenicity. Review status: criteria provided, conflicting classifications (1 of 4 stars). 2 submissions from 2 submitters: Uncertain significance (1); Likely benign (1). Last evaluated 2023-03-23.

Conditions:
Hereditary cancer-predisposing syndrome. Also called: Neoplastic Syndromes, Hereditary; Tumor predisposition; Hereditary Cancer Syndrome; Hereditary neoplastic syndrome. Identifiers: Orphanet 140162, MedGen C0027672, MeSH D009386, MONDO:0015356.

Submissions (2):

University of Washington Department of Laboratory Medicine, University of Washington
Classification: Likely benign for Hereditary cancer-predisposing syndrome. Last evaluated: 2023-03-23. Review status: criteria provided, single submitter. Criteria: Dines et al. (Genet Med. 2020). Collection method: curation. Allele origin: germline.
Comment: Missense variant in a coldspot region where missense variants are very unlikely to be pathogenic (PMID:31911673).

BRCA2 exon 11 coldspot. Reclassification based on statistical prior probability.

Color Diagnostics, LLC DBA Color Health
Classification: Uncertain significance for Hereditary cancer-predisposing syndrome. Last evaluated: 2020-01-03. Review status: criteria provided, single submitter. Criteria: ACMG Guidelines, 2015. Collection method: clinical testing. Allele origin: germline.
Comment: This missense variant replaces aspartic acid with glycine at codon 970 of the BRCA2 protein. Computational prediction tool suggests that this variant may not impact protein structure and function (internally defined REVEL score threshold ≤0.5, PMID: 27666373). Splice site prediction tools suggest that this variant may not impact RNA splicing. To our knowledge, functional studies have not been performed for this variant. This variant has not been reported in individuals affected with hereditary cancer in the literature. This variant has not been identified in the general population by the Genome Aggregation Database (gnomAD). The available evidence is insufficient to determine the role of this variant in disease conclusively. Therefore, this variant is classified as a Variant of Uncertain Significance.